The following is an entry in ClinVar:

ClinVar aggregate classification (germline): Likely benign. Review status: criteria provided, multiple submitters, no conflicts (2 of 4 stars). 2 submissions from 2 submitters: Likely benign (2). Last evaluated 2025-11-26.

Conditions:
DCDC2-related disorder. Also called: DCDC2-related condition.
Autosomal recessive nonsyndromic hearing loss 66 (DFNB66). Also called: Deafness, autosomal recessive 66. Identifiers: Orphanet 90636, MedGen C1857750, MONDO:0012442, OMIM 610212.
Isolated neonatal sclerosing cholangitis (NSC). Also called: Sclerosing cholangitis, neonatal. Identifiers: Orphanet 480556, MedGen C4479344, MONDO:0018816, OMIM 617394.

gnomAD v4.1: 14 of 1,608,406 alleles (0.00087%); highest among the groups gnomAD compares: Non-Finnish European, 0.0011%; no homozygotes.

Submissions (2):

Labcorp Genetics (formerly Invitae), Labcorp
Classification: Likely benign for Autosomal recessive nonsyndromic hearing loss 66; Isolated neonatal sclerosing cholangitis. Last evaluated: 2025-11-26. Review status: criteria provided, single submitter. Criteria: Invitae Variant Classification Sherloc (09022015). Collection method: clinical testing. Allele origin: germline.

PreventionGenetics, part of Exact Sciences
Classification: Likely benign for DCDC2-related condition. Last evaluated: 2025-06-24. Review status: criteria provided, single submitter. Criteria: ACMG Guidelines, 2015. Collection method: clinical testing. Allele origin: germline.
Comment: This variant is classified as likely benign based on ACMG/AMP sequence variant interpretation guidelines (Richards et al. 2015 PMID: 25741868, with internal and published modifications).

NM_016356.5(DCDC2):c.759+9C>G

Gene: DCDC2 (doublecortin domain containing 2; minus strand). Cytogenetic location: 6p22.3.
Variant type: single nucleotide variant.
Coding change: c.759+9C>G on transcript NM_016356.5 (MANE Select); 9 bases into the intron after coding-DNA position 759, C replaced by G.
Molecular consequence: intron variant.
Genome position (GRCh38, 1-based): chr6:24,288,843, G>C on the plus strand (C>G on the coding strand, the complement: DCDC2 is on the minus strand). VCF-style: chr6-24288843-G-C. GRCh37 (hg19) VCF-style: chr6-24289071-G-C.
Other names: c.759+9C>G (NM_016356.4, NM_001195610.2).
Identifiers: ClinVar variation 3758395 (VCV003758395.3).